The following is an entry in ClinVar:

NM_018344.6(SLC29A3):c.583A>T (p.Met195Leu)

Gene: SLC29A3 (solute carrier family 29 member 3; plus strand). Cytogenetic location: 10q22.1.
Variant type: single nucleotide variant.
Coding change: c.583A>T on transcript NM_018344.6 (MANE Select); coding-DNA position 583, A replaced by T.
Protein change: p.Met195Leu; replaces methionine 195 with leucine.
Molecular consequence: missense variant. On other transcripts: non-coding transcript variant (1).
Genome position (GRCh38, 1-based): chr10:71,351,761, A>T. VCF-style: chr10-71351761-A-T. GRCh37 (hg19) VCF-style: chr10-73111518-A-T.
Other names: c.583A>T, p.Met195Leu (NM_001174098.2); c.349A>T, p.Met117Leu (NM_001363518.2); short protein forms M117L, M195L.
Identifiers: ClinVar variation 2081339 (VCV002081339.3), dbSNP rs748749123, ClinGen allele CA5542965.
Genomic context (GRCh38, chr10:71,351,761, plus strand): 5'-CTCAGCGGTGCCTCCACTGTCTTCAGCAGCAGCATCTACGGCATGACCGGCTCCTTTCCT[A>T]TGAGGAACTCCCAGGCACTGATATCAGGTGAGAGCCAGGGTCCGGGCAGCTGACCAGGTT-3'
Protein context (NP_060814.4, residues 185-205): SIYGMTGSFP[Met195Leu]RNSQALISGG

ClinVar aggregate classification (germline): Uncertain significance (1 of 4 stars; one submission).

Conditions:
H syndrome. Also called: Histiocytosis with joint contractures and sensorineural deafness; FAISALABAD HISTIOCYTOSIS; Pigmented hypertrichosis and insulin-dependent diabetes mellitus; HISTIOCYTOSIS AND LYMPHADENOPATHY WITH OR WITHOUT CUTANEOUS, CARDIAC, AND/OR ENDOCRINE FEATURES, JOINT CONTRACTURES, AND/OR DEAFNESS; HYPERPIGMENTATION, CUTANEOUS, WITH HYPERTRICHOSIS, HEPATOSPLENOMEGALY, HEART ANOMALIES, AND HYPOGONADISM WITH OR WITHOUT HEARING LOSS; PIGMENTED HYPERTRICHOSIS WITH INSULIN-DEPENDENT DIABETES MELLITUS. Identifiers: Orphanet 168569, MedGen C1864445, MONDO:0011273, OMIM 602782.

Submission:

Labcorp Genetics (formerly Invitae), Labcorp
Classification: Uncertain significance for H syndrome. Last evaluated: 2022-08-22. Review status: criteria provided, single submitter. Criteria: Invitae Variant Classification Sherloc (09022015). Collection method: clinical testing. Allele origin: germline.
Comment: In summary, the available evidence is currently insufficient to determine the role of this variant in disease. Therefore, it has been classified as a Variant of Uncertain Significance. Algorithms developed to predict the effect of missense changes on protein structure and function (SIFT, PolyPhen-2, Align-GVGD) all suggest that this variant is likely to be tolerated. This variant has not been reported in the literature in individuals affected with SLC29A3-related conditions. This variant is present in population databases (rs748749123, gnomAD 0.007%). This sequence change replaces methionine, which is neutral and non-polar, with leucine, which is neutral and non-polar, at codon 195 of the SLC29A3 protein (p.Met195Leu).